The following continues an entry in ClinVar:

NM_206933.4(USH2A):c.956G>A (p.Cys319Tyr)

Gene: USH2A. ClinVar aggregate classification (germline): Pathogenic. Pathogenic (1).

Submissions 10 to 13 of 13:

Women's Health and Genetics/Laboratory Corporation of America, LabCorp
Classification: Likely pathogenic for Usher syndrome. Last evaluated: 2021-08-24. Review status: criteria provided, single submitter. Criteria: LabCorp Variant Classification Summary - May 2015. Collection method: clinical testing. Allele origin: germline. Not counted in ClinVar's aggregate classification.
Comment: Variant summary: USH2A c.956G>A (p.Cys319Tyr) results in a non-conservative amino acid change in the encoded protein sequence. Four of five in-silico tools predict a damaging effect of the variant on protein function. The variant allele was found at a frequency of 6e-05 in 250870 control chromosomes. This frequency is not significantly higher than expected for a pathogenic variant in USH2A causing Usher Syndrome (6e-05 vs 0.011), allowing no conclusion about variant significance. c.956G>A has been reported in the literature in individuals affected with Usher Syndrome or hearing loss (Weston_2000, Cremers_2007, Sloan-Heggen_2016, Wafa_2021). These data indicate that the variant is likely to be associated with disease. To our knowledge, no experimental evidence demonstrating an impact on protein function has been reported. Five clinical diagnostic laboratories have submitted clinical-significance assessments for this variant to ClinVar after 2014 without evidence for independent evaluation (pathogenic n=1, likely pathogenic n=3, VUS n=1). Based on the evidence outlined above, the variant was classified as likely pathogenic.

Laboratory for Molecular Medicine, Mass General Brigham Personalized Medicine
Classification: Likely pathogenic for Rare genetic deafness. Last evaluated: 2017-11-01. Review status: criteria provided, single submitter. Criteria: LMM Criteria. Collection method: clinical testing. Allele origin: germline. Inheritance: Autosomal recessive inheritance. Observed: 2 variant alleles. Not counted in ClinVar's aggregate classification.
Comment: One of these indiv iduals was homozygous, and two were compound heterozygous with a second likely p athogenic USH2A variant. This variant has been identified in 0.04% (15/33496) of Latino chromosomes by the Genome Aggregation Database (gnomAD; dbSNP rs121912599) and has also been reported in ClinVar (Var iation ID: 2355). Although this variant has been seen in the general population, its frequency is low enough to be consistent with a recessive carrier frequency . Computational prediction tools and conservation analyses suggest that this va riant may impact the protein, though this information is not predictive enough t o determine pathogenicity on its own. In summary, although additional studies ar e required to fully establish its clinical significance, this variant is likely pathogenic. ACMG/AMP criteria applied: PM2, PM5, PP3, PM3_Supporting.

Eurofins Ntd Llc (ga)
Classification: Uncertain significance. Last evaluated: 2016-05-10. Review status: criteria provided, single submitter. Criteria: EGL Classification Definitions 2015. Collection method: clinical testing. Allele origin: germline. Observed: 2 variant alleles, 2 heterozygotes. Not counted in ClinVar's aggregate classification.

OMIM
Classification: Pathogenic for USHER SYNDROME, TYPE IIA. Last evaluated: 2000-04-01. Review status: no assertion criteria provided. Collection method: literature only. Allele origin: germline. Not counted in ClinVar's aggregate classification.

Literature cited by the submitters: PubMed 10729113 (cited by 7 submitters); PubMed 26969326 (cited by 7 submitters); PubMed 33089500 (cited by 4 submitters); PubMed 16963483 (cited by Women's Health and Genetics/Laboratory Corporation of America, LabCorp).